The following is an entry in ClinVar:

ClinVar aggregate classification (germline): Pathogenic (1 of 4 stars; one submission).

Submission:

Labcorp Genetics (formerly Invitae), Labcorp
Classification: Pathogenic. Last evaluated: 2022-09-27. Review status: criteria provided, single submitter. Criteria: Invitae Variant Classification Sherloc (09022015). Collection method: clinical testing. Allele origin: germline.
Comment: A gross deletion of the genomic region encompassing the full coding sequence of the RBP3 gene has been identified. Loss-of-function variants in RBP3 are known to be pathogenic (PMID: 9614228, 23105016, 25766589). The boundaries of this event are unknown as they extend beyond the assayed region for this gene and therefore may encompass additional genes. This variant has not been reported in the literature in individuals affected with RBP3-related conditions. For these reasons, this variant has been classified as Pathogenic.

Literature cited by the submitters: PubMed 9614228; PubMed 23105016; PubMed 25766589.

NC_000010.10:g.(?_48381905)_(48416693_?)del

Genes: GDF2 (growth differentiation factor 2; plus strand), RBP3 (retinol binding protein 3; plus strand). Cytogenetic location: 10q11.22.
Variant type: Deletion.
Identifiers: ClinVar variation 2424568 (VCV002424568.3).